The following is an entry in ClinVar:

NM_018036.7(ATG2B):c.1374T>C (p.Thr458=)

Gene: ATG2B (autophagy related 2B; minus strand). Cytogenetic location: 14q32.2.
Variant type: single nucleotide variant.
Coding change: c.1374T>C on transcript NM_018036.7 (MANE Select); coding-DNA position 1374, T replaced by C.
Protein change: p.Thr458=; no amino-acid change (threonine 458 retained).
Molecular consequence: synonymous variant.
Genome position (GRCh38, 1-based): chr14:96,332,399, A>G on the plus strand (T>C on the coding strand, the complement: ATG2B is on the minus strand). VCF-style: chr14-96332399-A-G. GRCh37 (hg19) VCF-style: chr14-96798736-A-G.
Identifiers: ClinVar variation 3038315 (VCV003038315.2), dbSNP rs150217141, ClinGen allele CA7336742.
Genomic context (GRCh38, chr14:96,332,399, plus strand): 5'-GGATGGAAATGTTGACCCTCTTACTGGCTGTTCTTTATGATGATCAAGGAACTCTCCCCA[A>G]GTGGGCTGAAGCTATAAAAGATTTTTTTTAAGCACATGAATGAAGTGTAGAATTTTAGAA-3'
Protein context (NP_060506.6, residues 448-468): SPLSATVLQP[Thr458=]WGEFLDHHKE

ClinVar aggregate classification (germline): Likely benign (0 of 4 stars; one submission).

Conditions:
ATG2B-related disorder. Also called: ATG2B-related condition.

Allele frequency attached by ClinVar (database versions not stated): ESP Exome Variant Server 0.00051; TOPMed 0.00062; 1000 Genomes Project 30x 0.00078; 1000 Genomes Project 0.00080; gnomAD 0.00095; gnomAD exomes 0.00119; ExAC 0.00156.
gnomAD v4.1: 1,882 of 1,613,744 alleles (0.12%); highest among the groups gnomAD compares: Non-Finnish European, 0.12%; no homozygotes.

Submission:

PreventionGenetics, part of Exact Sciences
Classification: Likely benign for ATG2B-related condition. Last evaluated: 2019-05-02. Review status: no assertion criteria provided. Collection method: clinical testing. Allele origin: germline.
Comment: This variant is classified as likely benign based on ACMG/AMP sequence variant interpretation guidelines (Richards et al. 2015 PMID: 25741868, with internal and published modifications).